The following is an entry in ClinVar:

ClinVar aggregate classification (germline): Uncertain significance. Review status: criteria provided, multiple submitters, no conflicts (2 of 4 stars). 6 submissions from 6 submitters: Uncertain significance (6). Last evaluated 2026-03-11.

Conditions:
PLEC-related disorder. Also called: PLEC-related condition; PLEC-related disorders.
Epidermolysis bullosa simplex 5C, with pyloric atresia (EBS5C). Also called: PLEC-Related Epidermolysis Bullosa with Pyloric Atresia; Epidermolysis bullosa simplex with pyloric atresia; PLEC1-Related Epidermolysis Bullosa with Pyloric Atresia. Identifiers: Orphanet 158684, MedGen C2677349, MONDO:0012807, OMIM 612138.
Epidermolysis bullosa simplex with nail dystrophy (EBS5D). Identifiers: MedGen C4225309, MONDO:0014661, OMIM 616487.
Autosomal recessive limb-girdle muscular dystrophy type 2Q (LGMDR17). Also called: MUSCULAR DYSTROPHY, LIMB-GIRDLE, AUTOSOMAL RECESSIVE 17. Identifiers: Orphanet 254361, MedGen C3150989, MONDO:0013390, OMIM 613723.
Epidermolysis bullosa simplex, Ogna type (EBS5A). Also called: Pidermolysis bullosa simplex 5A, Ogna type; EPIDERMOLYSIS BULLOSA SIMPLEX 5A, OGNA TYPE. Identifiers: Orphanet 79401, MedGen C0432317, MONDO:0007555, OMIM 131950.
Epidermolysis bullosa simplex 5B, with muscular dystrophy (EBS5B). Also called: EPIDERMOLYSIS BULLOSA SIMPLEX AND LIMB-GIRDLE MUSCULAR DYSTROPHY; Epidermolysis bullosa simplex with muscular dystrophy. Identifiers: Orphanet 257, MedGen C2931072, MONDO:0009181, OMIM 226670.
Inborn genetic diseases. Identifiers: MedGen C0950123, MeSH D030342.

Allele frequency attached by ClinVar (database versions not stated): gnomAD exomes 0.00002; ExAC 0.00003; gnomAD 0.00021 and 0.00023; TOPMed 0.00051; 1000 Genomes Project 30x 0.00062; 1000 Genomes Project 0.00080.
gnomAD v4.1: 64 of 1,609,228 alleles (0.004%); highest among the groups gnomAD compares: Admixed American, 0.088%; no homozygotes.

Submissions (6):

PreventionGenetics, part of Exact Sciences
Classification: Uncertain significance for PLEC-related condition. Last evaluated: 2026-03-11. Review status: criteria provided, single submitter. Criteria: ACMG Guidelines, 2015. Collection method: clinical testing. Allele origin: germline.
Comment: The PLEC c.6569C>G variant is predicted to result in the amino acid substitution p.Ala2190Gly. To our knowledge, this variant has not been reported in the literature. This variant is reported in 0.015% of alleles in individuals of Latino descent in gnomAD. At this time, the clinical significance of this variant is uncertain due to the absence of conclusive functional and genetic evidence.

Labcorp Genetics (formerly Invitae), Labcorp
Classification: Uncertain significance for Autosomal recessive limb-girdle muscular dystrophy type 2Q; Epidermolysis bullosa simplex, Ogna type; Epidermolysis bullosa simplex with nail dystrophy; Epidermolysis bullosa simplex 5C, with pyloric atresia; Epidermolysis bullosa simplex 5B, with muscular dystrophy. Last evaluated: 2025-12-01. Review status: criteria provided, single submitter. Criteria: Invitae Variant Classification Sherloc (09022015). Collection method: clinical testing. Allele origin: germline.
Comment: This sequence change replaces alanine, which is neutral and non-polar, with glycine, which is neutral and non-polar, at codon 2190 of the PLEC protein (p.Ala2190Gly). This variant is present in population databases (rs201845757, gnomAD 0.02%). This variant has not been reported in the literature in individuals affected with PLEC-related conditions. ClinVar contains an entry for this variant (Variation ID: 288178). An algorithm developed to predict the effect of missense changes on protein structure and function (PolyPhen-2) suggests that this variant is likely to be tolerated. In summary, the available evidence is currently insufficient to determine the role of this variant in disease. Therefore, it has been classified as a Variant of Uncertain Significance.

Ambry Genetics
Classification: Uncertain significance for Inborn genetic diseases. Last evaluated: 2025-02-11. Review status: criteria provided, single submitter. Criteria: Ambry Variant Classification Scheme 2023. Collection method: clinical testing. Allele origin: germline.

Athena Diagnostics
Classification: Uncertain significance. Last evaluated: 2023-11-01. Review status: criteria provided, single submitter. Criteria: Athena Diagnostics Criteria. Collection method: clinical testing. Allele origin: unknown.
Comment: Available data are insufficient to determine the clinical significance of the variant at this time. The frequency of this variant in the general population is uninformative in assessment of its pathogenicity. Computational tools disagree on the variant's effect on normal protein function.

Revvity Omics, Revvity
Classification: Uncertain significance. Last evaluated: 2020-10-05. Review status: criteria provided, single submitter. Criteria: ACMG Guidelines, 2015. Collection method: clinical testing. Allele origin: germline.

Eurofins Ntd Llc (ga)
Classification: Uncertain significance. Last evaluated: 2016-09-23. Review status: criteria provided, single submitter. Criteria: EGL Classification Definitions 2015. Collection method: clinical testing. Allele origin: germline. Observed: 4 variant alleles, 4 heterozygotes.

NM_201384.3(PLEC):c.6488C>G (p.Ala2163Gly)

Gene: PLEC (plectin; minus strand). Cytogenetic location: 8q24.3.
Variant type: single nucleotide variant.
Coding change: c.6488C>G on transcript NM_201384.3 (MANE Select); coding-DNA position 6488, C replaced by G.
Protein change: p.Ala2163Gly; replaces alanine 2163 with glycine.
Molecular consequence: missense variant.
Genome position (GRCh38, 1-based): chr8:143,923,441, G>C on the plus strand (C>G on the coding strand, the complement: PLEC is on the minus strand). VCF-style: chr8-143923441-G-C. GRCh37 (hg19) VCF-style: chr8-144997609-G-C.
Other names: c.6569C>G, p.Ala2190Gly (NM_000445.5); c.6446C>G, p.Ala2149Gly (NM_201378.4); c.6422C>G, p.Ala2141Gly (NM_201379.3); c.6899C>G, p.Ala2300Gly (NM_201380.4); c.6392C>G, p.Ala2131Gly (NM_201381.3); c.6488C>G, p.Ala2163Gly (NM_201382.4); c.6500C>G, p.Ala2167Gly (NM_201383.3); c.6569C>G (NM_000445.3); short protein forms A2131G, A2141G, A2190G, A2149G, A2163G, A2300G, A2167G.
Identifiers: ClinVar variation 288178 (VCV000288178.18), dbSNP rs201845757, ClinGen allele CA4925972.